The following is an entry in ClinVar:

ClinVar aggregate classification (germline): Pathogenic (1 of 4 stars; one submission).

Conditions:
Microcephaly, normal intelligence and immunodeficiency (NBS). Also called: SEEMANOVA SYNDROME II; BERLIN BREAKAGE SYNDROME; Nijmegen breakage syndrome; Microcephaly with normal intelligence immunodeficiency and lymphoreticular malignancies; Nonsyndromal microcephaly autosomal recessive with normal intelligence; Seemanova syndrome 2. Identifiers: Orphanet 647, MedGen C0398791, MONDO:0009623, OMIM 251260.

Submission:

Labcorp Genetics (formerly Invitae), Labcorp
Classification: Pathogenic for Microcephaly, normal intelligence and immunodeficiency. Last evaluated: 2022-12-16. Review status: criteria provided, single submitter. Criteria: Invitae Variant Classification Sherloc (09022015). Collection method: clinical testing. Allele origin: germline.
Comment: For these reasons, this variant has been classified as Pathogenic. This variant has not been reported in the literature in individuals affected with NBN-related conditions. This sequence change creates a premature translational stop signal (p.Glu23Glyfs*12) in the NBN gene. It is expected to result in an absent or disrupted protein product. Loss-of-function variants in NBN are known to be pathogenic (PMID: 9590180, 16415040). This variant is not present in population databases (gnomAD no frequency).

Literature cited by the submitters: PubMed 9590180; PubMed 16415040.

NM_002485.5(NBN):c.68del (p.Glu23fs)

Gene: NBN (nibrin; minus strand). Cytogenetic location: 8q21.3.
Variant type: Deletion.
Coding change: c.68del on transcript NM_002485.5 (MANE Select); coding-DNA position 68, one base deleted (A; older notation c.68delA).
Protein change: p.Glu23fs; shifts the reading frame from glutamic acid 23.
Molecular consequence: frameshift variant. On other transcripts: 5 prime UTR variant (1).
Genome position (GRCh38, 1-based): chr8:89,982,825, T deleted on the plus strand (A on the coding strand, the reverse complement: NBN is on the minus strand). VCF-style (leftmost placement, unchanged base first): chr8-89982824-CT-C. GRCh37 (hg19) VCF-style: chr8-90995052-CT-C.
Other names: c.-229del (NM_001024688.3); short protein forms E23fs.
Identifiers: ClinVar variation 2030916 (VCV002030916.4), dbSNP rs2488369617, ClinGen allele CA2580079438.